The following is an entry in ClinVar:

ClinVar aggregate classification (germline): Uncertain significance (1 of 4 stars; one submission).

gnomAD v4.1: 2 of 1,614,088 alleles (0.00012%); highest among the groups gnomAD compares: Non-Finnish European, 0.00017%; no homozygotes.

Submission:

Mayo Clinic Laboratories, Mayo Clinic
Classification: Uncertain significance. Last evaluated: 2025-01-09. Review status: criteria provided, single submitter. Criteria: ACMG Guidelines, 2015. Collection method: clinical testing. Allele origin: germline. Observed: 1 variant allele.
Comment: BP4_moderate, PM2_supporting

NM_003126.4(SPTA1):c.6212A>T (p.His2071Leu)

Gene: SPTA1 (spectrin alpha, erythrocytic 1; minus strand). Cytogenetic location: 1q23.1.
Variant type: single nucleotide variant.
Coding change: c.6212A>T on transcript NM_003126.4 (MANE Select); coding-DNA position 6212, A replaced by T.
Protein change: p.His2071Leu; replaces histidine 2071 with leucine.
Molecular consequence: missense variant.
Genome position (GRCh38, 1-based): chr1:158,620,375, T>A on the plus strand (A>T on the coding strand, the complement: SPTA1 is on the minus strand). VCF-style: chr1-158620375-T-A. GRCh37 (hg19) VCF-style: chr1-158590165-T-A.
Other names: p.His2071Leu; short protein forms H2071L.
Identifiers: ClinVar variation 4541644 (VCV004541644.1).